The following is an entry in ClinVar:

ClinVar aggregate classification (germline): Uncertain significance. Review status: criteria provided, multiple submitters, no conflicts (2 of 4 stars). 2 submissions from 2 submitters: Uncertain significance (2). Last evaluated 2023-04-23.

Conditions:
Familial cancer of breast. Also called: BREAST CANCER, FAMILIAL; Hereditary breast cancer; hereditary breast carcinoma. Identifiers: Orphanet 227535, MedGen C0346153, MONDO:0016419, OMIM 114480. Disease mechanism: loss of function.
Hereditary cancer-predisposing syndrome. Also called: Neoplastic Syndromes, Hereditary; Tumor predisposition; Hereditary Cancer Syndrome; Hereditary neoplastic syndrome. Identifiers: Orphanet 140162, MedGen C0027672, MeSH D009386, MONDO:0015356.

gnomAD v4.1: 2 of 1,613,692 alleles (0.00012%); highest among the groups gnomAD compares: East Asian, 0.0045%; no homozygotes.

Submissions (2):

Labcorp Genetics (formerly Invitae), Labcorp
Classification: Uncertain significance for Familial cancer of breast. Last evaluated: 2023-04-23. Review status: criteria provided, single submitter. Criteria: Invitae Variant Classification Sherloc (09022015). Collection method: clinical testing. Allele origin: germline.
Comment: In summary, the available evidence is currently insufficient to determine the role of this variant in disease. Therefore, it has been classified as a Variant of Uncertain Significance. An algorithm developed to predict the effect of missense changes on protein structure and function (PolyPhen-2) suggests that this variant is likely to be disruptive. ClinVar contains an entry for this variant (Variation ID: 483377). This variant has not been reported in the literature in individuals affected with CHEK2-related conditions. This variant is not present in population databases (gnomAD no frequency). This sequence change replaces glutamine, which is neutral and polar, with histidine, which is basic and polar, at codon 330 of the CHEK2 protein (p.Gln330His).

Ambry Genetics
Classification: Uncertain significance for Hereditary cancer-predisposing syndrome. Last evaluated: 2016-10-20. Review status: criteria provided, single submitter. Criteria: Ambry Variant Classification Scheme 2023. Collection method: clinical testing. Allele origin: germline.
Comment: The p.Q330H variant (also known as c.990G>T), located in coding exon 8 of the CHEK2 gene, results from a G to T substitution at nucleotide position 990. The glutamine at codon 330 is replaced by histidine, an amino acid with highly similar properties. This variant was not reported in population based cohorts in the following databases: Database of Single Nucleotide Polymorphisms (dbSNP), NHLBI Exome Sequencing Project (ESP), and 1000 Genomes Project. In the ESP, this variant was not observed in 6503 samples (13006 alleles) with coverage at this position. To date, this alteration has been detected with an allele frequency of approximately 0.001% (greater than 200000 alleles tested) in our clinical cohort. This amino acid position is highly conserved in available vertebrate species. In addition, this alteration is predicted to be deleterious by in silico analysis. Since supporting evidence is limited at this time, the clinical significance of this alteration remains unclear.

NM_007194.4(CHEK2):c.990G>T (p.Gln330His)

Gene: CHEK2 (checkpoint kinase 2; minus strand). Cytogenetic location: 22q12.1.
Variant type: single nucleotide variant.
Coding change: c.990G>T on transcript NM_007194.4 (MANE Select); coding-DNA position 990, G replaced by T.
Protein change: p.Gln330His; replaces glutamine 330 with histidine.
Molecular consequence: missense variant.
Genome position (GRCh38, 1-based): chr22:28,699,856, C>A on the plus strand (G>T on the coding strand, the complement: CHEK2 is on the minus strand). VCF-style: chr22-28699856-C-A. GRCh37 (hg19) VCF-style: chr22-29095844-C-A.
Other names: c.1119G>T, p.Gln373His (NM_001005735.3); c.327G>T, p.Gln109His (NM_001257387.3); c.789G>T, p.Gln263His (NM_001349956.3); c.990G>T, p.Gln330His (NM_145862.3); short protein forms Q330H, Q373H, Q109H, Q263H.
Identifiers: ClinVar variation 483377 (VCV000483377.8), dbSNP rs9625537, ClinGen allele CA411099469.